The following is an entry in ClinVar:

ClinVar aggregate classification (germline): Uncertain significance (1 of 4 stars; one submission).

Conditions:
Epidermolysis bullosa simplex with nail dystrophy (EBS5D). Identifiers: MedGen C4225309, MONDO:0014661, OMIM 616487.
Epidermolysis bullosa simplex 5B, with muscular dystrophy (EBS5B). Also called: EPIDERMOLYSIS BULLOSA SIMPLEX AND LIMB-GIRDLE MUSCULAR DYSTROPHY; Epidermolysis bullosa simplex with muscular dystrophy. Identifiers: Orphanet 257, MedGen C2931072, MONDO:0009181, OMIM 226670.
Epidermolysis bullosa simplex 5C, with pyloric atresia (EBS5C). Also called: PLEC-Related Epidermolysis Bullosa with Pyloric Atresia; Epidermolysis bullosa simplex with pyloric atresia; PLEC1-Related Epidermolysis Bullosa with Pyloric Atresia. Identifiers: Orphanet 158684, MedGen C2677349, MONDO:0012807, OMIM 612138.
Autosomal recessive limb-girdle muscular dystrophy type 2Q (LGMDR17). Also called: MUSCULAR DYSTROPHY, LIMB-GIRDLE, AUTOSOMAL RECESSIVE 17. Identifiers: Orphanet 254361, MedGen C3150989, MONDO:0013390, OMIM 613723.
Epidermolysis bullosa simplex, Ogna type (EBS5A). Also called: Pidermolysis bullosa simplex 5A, Ogna type; EPIDERMOLYSIS BULLOSA SIMPLEX 5A, OGNA TYPE. Identifiers: Orphanet 79401, MedGen C0432317, MONDO:0007555, OMIM 131950.

Allele frequency attached by ClinVar (database versions not stated): ExAC 0.00002; TOPMed 0.00002; gnomAD 0.00003; ESP Exome Variant Server 0.00008.

Submission:

Labcorp Genetics (formerly Invitae), Labcorp
Classification: Uncertain significance for Autosomal recessive limb-girdle muscular dystrophy type 2Q; Epidermolysis bullosa simplex, Ogna type; Epidermolysis bullosa simplex with nail dystrophy; Epidermolysis bullosa simplex 5C, with pyloric atresia; Epidermolysis bullosa simplex 5B, with muscular dystrophy. Last evaluated: 2024-10-23. Review status: criteria provided, single submitter. Criteria: Invitae Variant Classification Sherloc (09022015). Collection method: clinical testing. Allele origin: germline.
Comment: This sequence change replaces lysine, which is basic and polar, with arginine, which is basic and polar, at codon 3305 of the PLEC protein (p.Lys3305Arg). This variant is present in population databases (rs376048194, gnomAD 0.01%). This variant has not been reported in the literature in individuals affected with PLEC-related conditions. An algorithm developed to predict the effect of missense changes on protein structure and function outputs the following: PolyPhen-2: "Benign". The arginine amino acid residue is found in multiple mammalian species, which suggests that this missense change does not adversely affect protein function. In summary, the available evidence is currently insufficient to determine the role of this variant in disease. Therefore, it has been classified as a Variant of Uncertain Significance.

NM_201384.3(PLEC):c.9833A>G (p.Lys3278Arg)

Gene: PLEC (plectin; minus strand). Cytogenetic location: 8q24.3.
Variant type: single nucleotide variant.
Coding change: c.9833A>G on transcript NM_201384.3 (MANE Select); coding-DNA position 9833, A replaced by G.
Protein change: p.Lys3278Arg; replaces lysine 3278 with arginine.
Molecular consequence: missense variant.
Genome position (GRCh38, 1-based): chr8:143,919,988, T>C on the plus strand (A>G on the coding strand, the complement: PLEC is on the minus strand). VCF-style: chr8-143919988-T-C. GRCh37 (hg19) VCF-style: chr8-144994156-T-C.
Other names: c.9914A>G, p.Lys3305Arg (NM_000445.5); c.6533A>G, p.Lys2178Arg (NM_001410941.1); c.9791A>G, p.Lys3264Arg (NM_201378.4); c.9767A>G, p.Lys3256Arg (NM_201379.3); c.10244A>G, p.Lys3415Arg (NM_201380.4); c.9737A>G, p.Lys3246Arg (NM_201381.3); c.9833A>G, p.Lys3278Arg (NM_201382.4); c.9845A>G, p.Lys3282Arg (NM_201383.3); short protein forms K3256R, K3282R, K2178R, K3278R, K3246R, K3264R, K3305R, K3415R.
Identifiers: ClinVar variation 2926404 (VCV002926404.3), dbSNP rs376048194, ClinGen allele CA4924838.